The following is an entry in ClinVar:

NM_000944.5(PPP3CA):c.275A>G (p.His92Arg)

Gene: PPP3CA (protein phosphatase 3 catalytic subunit alpha; minus strand). Cytogenetic location: 4q24.
Variant type: single nucleotide variant.
Coding change: c.275A>G on transcript NM_000944.5 (MANE Select); coding-DNA position 275, A replaced by G.
Protein change: p.His92Arg; replaces histidine 92 with arginine.
Molecular consequence: missense variant.
Genome position (GRCh38, 1-based): chr4:101,109,063, T>C on the plus strand (A>G on the coding strand, the complement: PPP3CA is on the minus strand). VCF-style: chr4-101109063-T-C. GRCh37 (hg19) VCF-style: chr4-102030220-T-C.
Other names: c.275A>G, p.His92Arg (NM_001130691.2, NM_001130692.2); short protein forms H92R.
Identifiers: ClinVar variation 441272 (VCV000441272.8), dbSNP rs1553925558, ClinGen allele CA357950659.

ClinVar aggregate classification (germline): Pathogenic/Likely pathogenic. Review status: criteria provided, multiple submitters, no conflicts (2 of 4 stars). 4 submissions from 4 submitters: Pathogenic (2); Likely pathogenic (1). 1 of the submissions does not count toward it. Last evaluated 2025-05-24.

Conditions:
Inborn genetic diseases. Identifiers: MedGen C0950123, MeSH D030342.
Developmental and epileptic encephalopathy 91. Also called: EPILEPTIC ENCEPHALOPATHY, INFANTILE OR EARLY CHILDHOOD, 1. Identifiers: MedGen C4540199, MONDO:0020630, OMIM 617711.
Intellectual disability. Also called: Intellectual developmental disorder; Intellectual functioning disability; intellectual disabilities. Identifiers: MedGen C3714756, MeSH D008607, MONDO:0001071, HP:0001249.
Seizure. Also called: Seizures. Identifiers: MedGen C0036572, HP:0001250.

Submissions (4):

Pediatric Department, Peking University First Hospital
Classification: Likely pathogenic for Developmental and epileptic encephalopathy 91. Last evaluated: 2025-05-24. Review status: criteria provided, single submitter. Criteria: ACMG Guidelines, 2015. Collection method: research. Allele origin: de novo. Affected: yes.
Comment: Likely pathogenic(PS2, PM2_Supporting, PP3)

Cytogénomique, Hospices Civils de Lyon
Classification: Pathogenic for Seizure; Intellectual disability. Last evaluated: 2020-02-25. Review status: criteria provided, single submitter. Criteria: ACMG Guidelines, 2015. Collection method: clinical testing. Allele origin: de novo. Inheritance: Sporadic. Affected: yes.
Comment: De novo variant, absent from gnomAD, previously described.

Ambry Genetics
Classification: Pathogenic for Inborn genetic diseases. Last evaluated: 2018-02-21. Review status: criteria provided, single submitter. Criteria: Ambry exome assertion method (8-5-2015). Collection method: clinical testing. Allele origin: germline. Affected: yes. Observed: 1 variant allele.

OMIM
Classification: Pathogenic for DEVELOPMENTAL AND EPILEPTIC ENCEPHALOPATHY 91. Last evaluated: 2021-03-15. Review status: no assertion criteria provided. Collection method: literature only. Allele origin: germline. Not counted in ClinVar's aggregate classification.

Literature cited by the submitters: PubMed 29432562 (cited by Pediatric Department, Peking University First Hospital and Ambry Genetics); PubMed 25262651 (cited by Ambry Genetics); PubMed 28942967 (cited by Ambry Genetics and OMIM).